The following is an entry in ClinVar:

NM_000100.3(CSTB):c.-50C>G

Genes: CSTB (cystatin B; minus strand), LOC130066788 (ATAC-STARR-seq lymphoblastoid silent region 13368; plus strand). Cytogenetic location: 21q22.3.
Variant type: single nucleotide variant.
Coding change: c.-50C>G on transcript NM_000100.3; 50 bases upstream of the start codon, C replaced by G.
Genome position (GRCh38, 1-based): chr21:43,776,319, G>C on the plus strand (C>G on the coding strand, the complement: CSTB is on the minus strand). VCF-style: chr21-43776319-G-C. GRCh37 (hg19) VCF-style: chr21-45196200-G-C.
Identifiers: ClinVar variation 385562 (VCV000385562.3), dbSNP rs553395747, ClinGen allele CA16609069.

ClinVar aggregate classification (germline): Likely benign (1 of 4 stars; one submission).

Allele frequency attached by ClinVar (database versions not stated): TOPMed 0.00019; gnomAD 0.00013; 1000 Genomes Project 30x 0.00047.

Submission:

GeneDx
Classification: Likely benign. Last evaluated: 2016-04-26. Review status: criteria provided, single submitter. Criteria: GeneDx Variant Classification (06012015). Collection method: clinical testing. Allele origin: germline. Affected: yes.
Comment: This variant is considered likely benign or benign based on one or more of the following criteria: it is a conservative change, it occurs at a poorly conserved position in the protein, it is predicted to be benign by multiple in silico algorithms, and/or has population frequency not consistent with disease.